The following is an entry in ClinVar:

ClinVar aggregate classification (germline): Conflicting classifications of pathogenicity. Review status: criteria provided, conflicting classifications (1 of 4 stars). 4 submissions from 4 submitters: Uncertain significance (3); Likely benign (1). Last evaluated 2025-05-30.

Conditions:
Inborn genetic diseases. Identifiers: MedGen C0950123, MeSH D030342.
Kabuki syndrome 2 (KABUK2). Also called: KDM6A-Related Kabuki Syndrome. Identifiers: Orphanet 2322, MedGen C3275495, MONDO:0010465, OMIM 300867.

Allele frequency attached by ClinVar (database versions not stated): ExAC 0.00001; gnomAD 0.00002 and 0.00003; TOPMed 0.00016.

Submissions (4):

Labcorp Genetics (formerly Invitae), Labcorp
Classification: Uncertain significance for Kabuki syndrome 2. Last evaluated: 2025-05-30. Review status: criteria provided, single submitter. Criteria: Invitae Variant Classification Sherloc (09022015). Collection method: clinical testing. Allele origin: germline.
Comment: This sequence change replaces glutamine, which is neutral and polar, with histidine, which is basic and polar, at codon 507 of the KDM6A protein (p.Gln507His). This variant is present in population databases (rs763587293, gnomAD 0.2%). This variant has not been reported in the literature in individuals affected with KDM6A-related conditions. ClinVar contains an entry for this variant (Variation ID: 520720). Invitae Evidence Modeling of protein sequence and biophysical properties (such as structural, functional, and spatial information, amino acid conservation, physicochemical variation, residue mobility, and thermodynamic stability) has been performed for this missense variant. However, the output from this modeling did not meet the statistical confidence thresholds required to predict the impact of this variant on KDM6A protein function. In summary, the available evidence is currently insufficient to determine the role of this variant in disease. Therefore, it has been classified as a Variant of Uncertain Significance.

GeneDx
Classification: Likely benign. Last evaluated: 2020-04-09. Review status: criteria provided, single submitter. Criteria: GeneDx Variant Classification Process June 2021. Collection method: clinical testing. Allele origin: germline. Affected: yes.
Comment: In silico analysis supports that this missense variant does not alter protein structure/function; Has not been previously published as pathogenic or benign to our knowledge

Centre for Mendelian Genomics, University Medical Centre Ljubljana
Classification: Uncertain significance for Kabuki syndrome 2. Last evaluated: 2018-10-25. Review status: criteria provided, single submitter. Criteria: ACMG Guidelines, 2015. Collection method: clinical testing. Allele origin: unknown. Affected: yes.
Comment: This variant was classified as: Uncertain significance. The available evidence on this variant's pathogenicity is insufficient or conflicting. The following ACMG criteria were applied in classifying this variant: PM2. This variant was detected in hemizygous state.

Ambry Genetics
Classification: Uncertain significance for Inborn genetic diseases. Last evaluated: 2015-08-06. Review status: criteria provided, single submitter. Criteria: Ambry exome assertion method (8-5-2015). Collection method: clinical testing. Allele origin: germline. Affected: yes. Observed: 1 variant allele.

NM_001291415.2(KDM6A):c.1677A>C (p.Gln559His)

Gene: KDM6A (lysine demethylase 6A; plus strand). Cytogenetic location: Xp11.3.
Variant type: single nucleotide variant.
Coding change: c.1677A>C on transcript NM_001291415.2 (MANE Select); coding-DNA position 1677, A replaced by C.
Protein change: p.Gln559His; replaces glutamine 559 with histidine.
Molecular consequence: missense variant. On other transcripts: intron variant (1).
Genome position (GRCh38, 1-based): chrX:45,062,742, A>C. VCF-style: chrX-45062742-A-C. GRCh37 (hg19) VCF-style: chrX-44921987-A-C.
Other names: c.1542A>C, p.Gln514His (NM_001291416.2); c.1386A>C, p.Gln462His (NM_001291417.2); c.633A>C, p.Gln211His (NM_001291421.2); c.1521A>C, p.Gln507His (NM_021140.4); c.1291-680A>C (NM_001291418.2); short protein forms Q507H, Q559H, Q462H, Q211H, Q514H.
Identifiers: ClinVar variation 520720 (VCV000520720.13), dbSNP rs763587293, ClinGen allele CA10392394.